The following is an entry in ClinVar:

NM_004187.5(KDM5C):c.2830A>T (p.Arg944Trp)

Gene: KDM5C (lysine demethylase 5C; minus strand). Cytogenetic location: Xp11.22.
Variant type: single nucleotide variant.
Coding change: c.2830A>T on transcript NM_004187.5 (MANE Select); coding-DNA position 2830, A replaced by T.
Protein change: p.Arg944Trp; replaces arginine 944 with tryptophan.
Molecular consequence: missense variant. On other transcripts: non-coding transcript variant (3).
Genome position (GRCh38, 1-based): chrX:53,196,837, T>A on the plus strand (A>T on the coding strand, the complement: KDM5C is on the minus strand). VCF-style: chrX-53196837-T-A. GRCh37 (hg19) VCF-style: chrX-53226019-T-A.
Other names: c.2629A>T, p.Arg877Trp (NM_001146702.2); c.2827A>T, p.Arg943Trp (NM_001282622.3, NM_001353979.2, NM_001353982.2); c.2830A>T, p.Arg944Trp (NM_001353978.3, NM_001353981.2, NM_001353984.2); c.2830A>T (NM_004187.3); short protein forms R877W, R943W, R944W.
Identifiers: ClinVar variation 1313591 (VCV001313591.8), dbSNP rs1018074229, ClinGen allele CA329167116.

ClinVar aggregate classification (germline): Conflicting classifications of pathogenicity. Review status: criteria provided, conflicting classifications (1 of 4 stars). 3 submissions from 3 submitters: Uncertain significance (2); Benign (1). Last evaluated 2025-12-10.

Conditions:
Spastic paraplegia. Identifiers: MedGen C0037772, HP:0001258.
Inborn genetic diseases. Identifiers: MedGen C0950123, MeSH D030342.

Allele frequency attached by ClinVar (database versions not stated): gnomAD exomes below 0.00001 and 0.00001; gnomAD 0.00001.
gnomAD v4.1: 13 of 1,208,734 alleles (0.0011%); highest among the groups gnomAD compares: East Asian, 0.0059%; no homozygotes.

Submissions (3):

Labcorp Genetics (formerly Invitae), Labcorp
Classification: Benign for Spastic paraplegia. Last evaluated: 2025-12-10. Review status: criteria provided, single submitter. Criteria: Invitae Variant Classification Sherloc (09022015). Collection method: clinical testing. Allele origin: germline.

GeneDx
Classification: Uncertain significance. Last evaluated: 2023-06-28. Review status: criteria provided, single submitter. Criteria: GeneDx Variant Classification Process June 2021. Collection method: clinical testing. Allele origin: germline. Affected: yes.
Comment: In silico analysis supports that this missense variant has a deleterious effect on protein structure/function; Has not been previously published as pathogenic or benign to our knowledge

Ambry Genetics
Classification: Uncertain significance for Inborn genetic diseases. Last evaluated: 2022-04-14. Review status: criteria provided, single submitter. Criteria: Ambry Variant Classification Scheme 2023. Collection method: clinical testing. Allele origin: germline.